The following is an entry in ClinVar:

ClinVar aggregate classification (germline): Likely benign (1 of 4 stars; one submission).

Conditions:
EPPK1-related disorder. Also called: EPPK1-related condition.

Allele frequency attached by ClinVar (database versions not stated): gnomAD exomes 0.00087; 1000 Genomes Project 30x 0.00656; gnomAD 0.00814; TOPMed 0.00930.
gnomAD v4.1: 2,539 of 1,596,718 alleles (0.16%); highest among the groups gnomAD compares: African/African-American, 3%; 40 homozygotes.

Submission:

PreventionGenetics, part of Exact Sciences
Classification: Likely benign for EPPK1-related condition. Last evaluated: 2022-05-17. Review status: criteria provided, single submitter. Criteria: ACMG Guidelines, 2015. Collection method: clinical testing. Allele origin: germline.
Comment: This variant is classified as likely benign based on ACMG/AMP sequence variant interpretation guidelines (Richards et al. 2015 PMID: 25741868, with internal and published modifications).

NM_031308.4(EPPK1):c.6711C>T (p.Pro2237=)

Gene: EPPK1 (epiplakin 1; minus strand). Cytogenetic location: 8q24.3.
Variant type: single nucleotide variant.
Coding change: c.6711C>T on transcript NM_031308.4 (MANE Select); coding-DNA position 6711, C replaced by T.
Protein change: p.Pro2237=; no amino-acid change (proline 2237 retained).
Molecular consequence: synonymous variant.
Genome position (GRCh38, 1-based): chr8:143,866,543, G>A on the plus strand (C>T on the coding strand, the complement: EPPK1 is on the minus strand). VCF-style: chr8-143866543-G-A.
Identifiers: ClinVar variation 3034987 (VCV003034987.1), dbSNP rs1366613440, ClinGen allele CA848824552.